The following is an entry in ClinVar:

NM_000455.5(STK11):c.885del (p.Lys296fs)

Gene: STK11 (serine/threonine kinase 11; plus strand). Cytogenetic location: 19p13.3.
Variant type: Deletion.
Coding change: c.885del on transcript NM_000455.5 (MANE Select); coding-DNA position 885, one base deleted (C; older notation c.885delC).
Protein change: p.Lys296fs; shifts the reading frame from lysine 296.
Molecular consequence: frameshift variant.
Genome position (GRCh38, 1-based): chr19:1,221,971, C deleted; the last of 2 consecutive C bases (chr19:1,221,970-1,221,971); deleting either gives the same sequence. VCF-style (leftmost placement, unchanged base first): chr19-1221969-GC-G. GRCh37 (hg19) VCF-style: chr19-1221968-GC-G.
Other names: c.885delC, p.Lys296Argfs (NM_001407255.1); short protein forms K296fs.
Identifiers: ClinVar variation 1764912 (VCV001764912.2), dbSNP rs2512946604, ClinGen allele CA2580096127.

ClinVar aggregate classification (germline): Pathogenic (1 of 4 stars; one submission).

Conditions:
Hereditary cancer-predisposing syndrome. Also called: Neoplastic Syndromes, Hereditary; Tumor predisposition; Hereditary Cancer Syndrome; Hereditary neoplastic syndrome. Identifiers: Orphanet 140162, MedGen C0027672, MeSH D009386, MONDO:0015356.

Submission:

Ambry Genetics
Classification: Pathogenic for Hereditary cancer-predisposing syndrome. Last evaluated: 2020-06-22. Review status: criteria provided, single submitter. Criteria: Ambry Variant Classification Scheme 2023. Collection method: clinical testing. Allele origin: germline.
Comment: The c.885delC variant, located in coding exon 7 of the STK11 gene, results from a deletion of one nucleotide at nucleotide position 885, causing a translational frameshift with a predicted alternate stop codon (p.K296Rfs*40). This alteration is expected to result in loss of function by premature protein truncation or nonsense-mediated mRNA decay. As such, this alteration is interpreted as a disease-causing mutation.